The following is an entry in ClinVar:

ClinVar aggregate classification (germline): Likely pathogenic (1 of 4 stars; one submission).

Submission:

Labcorp Genetics (formerly Invitae), Labcorp
Classification: Likely pathogenic. Last evaluated: 2022-09-13. Review status: criteria provided, single submitter. Criteria: Invitae Variant Classification Sherloc (09022015). Collection method: clinical testing. Allele origin: germline.
Comment: Algorithms developed to predict the effect of sequence changes on RNA splicing suggest that this variant may disrupt the consensus splice site. In summary, the currently available evidence indicates that the variant is pathogenic, but additional data are needed to prove that conclusively. Therefore, this variant has been classified as Likely Pathogenic. ClinVar contains an entry for this variant (Variation ID: 861491). This variant has not been reported in the literature in individuals affected with POLE-related conditions. This variant is not present in population databases (gnomAD no frequency). This sequence change affects a splice site in intron 13 of the POLE gene. It is expected to disrupt RNA splicing. Variants that disrupt the donor or acceptor splice site typically lead to a loss of protein function (PMID: 16199547), and loss-of-function variants in POLE are known to be pathogenic (PMID: 23230001, 25948378, 30503519).

Literature cited by the submitters: PubMed 16199547; PubMed 23230001; PubMed 25948378; PubMed 30503519.

NM_006231.4(POLE):c.1360-36_1360-1del

Gene: POLE (DNA polymerase epsilon, catalytic subunit; minus strand). Cytogenetic location: 12q24.33.
Variant type: Deletion.
Coding change: c.1360-36_1360-1del on transcript NM_006231.4 (MANE Select); 36 bases into the intron before coding-DNA position 1360 through the canonical splice acceptor site of the intron before coding-DNA position 1360, 36 bases deleted.
Molecular consequence: splice acceptor variant.
Genome position (GRCh38, 1-based): chr12:132,673,278-132,673,313, 36 bases deleted. GRCh37 (hg19): chr12:133,249,864-133,249,899.
Identifiers: ClinVar variation 861491 (VCV000861491.9), dbSNP rs2042973054, ClinGen allele CA916082378.